The following is an entry in ClinVar:

NM_000088.4(COL1A1):c.2397C>T (p.Pro799=)

Gene: COL1A1 (collagen type I alpha 1 chain; minus strand). Cytogenetic location: 17q21.33.
Variant type: single nucleotide variant.
Coding change: c.2397C>T on transcript NM_000088.4 (MANE Select); coding-DNA position 2397, C replaced by T.
Protein change: p.Pro799=; no amino-acid change (proline 799 retained).
Molecular consequence: synonymous variant.
Genome position (GRCh38, 1-based): chr17:50,190,543, G>A on the plus strand (C>T on the coding strand, the complement: COL1A1 is on the minus strand). VCF-style: chr17-50190543-G-A. GRCh37 (hg19) VCF-style: chr17-48267904-G-A.
Identifiers: ClinVar variation 850498 (VCV000850498.14), dbSNP rs750493684, ClinGen allele CA8644840.
Genomic context (GRCh38, chr17:50,190,543, plus strand): 5'-GTGCTGTGTGAAGGGAGGGAAGGGCCAAGTATGGGGTCTTAACAGGTCTTCTGTACTTAC[G>A]GGGGCACCACGAGCTCCAGTGGGACCAGCAGGGCCGCTGGGACCACTTTCACCCTGAGAG-3'
Protein context (NP_000079.2, residues 789-809): PAGPTGARGA[Pro799=]GDRGEPGPPG

ClinVar aggregate classification (germline): Uncertain significance. Review status: criteria provided, multiple submitters, no conflicts (2 of 4 stars). 3 submissions from 3 submitters: Uncertain significance (3). Last evaluated 2026-04-14.

Conditions:
Ehlers-Danlos syndrome (EDS). Identifiers: Orphanet 98249, MedGen C0013720, MONDO:0020066.
Cardiovascular phenotype. Identifiers: MedGen CN230736.
Osteogenesis imperfecta type I (OI1). Also called: Classic Non-deforming Osteogenesis Imperfecta with Blue Sclerae; Lobstein's Disease; OI, TYPE I; OSTEOGENESIS IMPERFECTA TARDA; OSTEOGENESIS IMPERFECTA WITH BLUE SCLERAE; Lobstein disease. Identifiers: Orphanet 216796, Orphanet 666, MedGen C0023931, MONDO:0008146, OMIM 166200. Disease mechanism: loss of function.

Allele frequency attached by ClinVar (database versions not stated): ExAC 0.00002; TOPMed 0.00002; gnomAD 0.00001; gnomAD exomes 0.00001.
gnomAD v4.1: 34 of 1,612,362 alleles (0.0021%); highest among the groups gnomAD compares: Non-Finnish European, 0.0027%; no homozygotes.

Submissions (3):

Ambry Genetics
Classification: Uncertain significance for Cardiovascular phenotype. Last evaluated: 2026-04-14. Review status: criteria provided, single submitter. Criteria: Ambry Variant Classification Scheme 2023. Collection method: clinical testing. Allele origin: germline.
Comment: The c.2397C>T variant (also known as p.P799P), located in coding exon 34 of the COL1A1 gene, results from a C to T substitution at nucleotide position 2397. This nucleotide substitution does not change the proline at codon 799. However, this change occurs in the last base pair of coding exon 34, which makes it likely to have some effect on normal mRNA splicing. This nucleotide position is poorly conserved in available vertebrate species. In silico splice site analysis predicts that this alteration will not have any significant effect on splicing. Based on the available evidence, the clinical significance of this variant remains unclear.

Labcorp Genetics (formerly Invitae), Labcorp
Classification: Uncertain significance for Osteogenesis imperfecta type I. Last evaluated: 2025-04-30. Review status: criteria provided, single submitter. Criteria: Invitae Variant Classification Sherloc (09022015). Collection method: clinical testing. Allele origin: germline.
Comment: This sequence change affects codon 799 of the COL1A1 mRNA. It is a 'silent' change, meaning that it does not change the encoded amino acid sequence of the COL1A1 protein. It affects a nucleotide within the consensus splice site. This variant is present in population databases (rs750493684, gnomAD 0.002%). This variant has not been reported in the literature in individuals affected with COL1A1-related conditions. ClinVar contains an entry for this variant (Variation ID: 850498). Algorithms developed to predict the effect of sequence changes on RNA splicing suggest that this variant is not likely to affect RNA splicing. In summary, the available evidence is currently insufficient to determine the role of this variant in disease. Therefore, it has been classified as a Variant of Uncertain Significance.

Genome Diagnostics Laboratory, The Hospital for Sick Children
Classification: Uncertain significance for Ehlers-Danlos syndrome. Last evaluated: 2020-03-01. Review status: criteria provided, single submitter. Criteria: ACMG Guidelines, 2015. Collection method: clinical testing. Allele origin: germline.